The following is an entry in ClinVar:

ClinVar aggregate classification (germline): Pathogenic (1 of 4 stars; one submission).

Conditions:
Short-rib thoracic dysplasia 6 with or without polydactyly (SRTD6). Also called: SHORT-RIB THORACIC DYSPLASIA 6 WITH POLYDACTYLY; SHORT-RIB THORACIC DYSPLASIA 6 WITHOUT POLYDACTYLY; SHORT RIB-POLYDACTYLY SYNDROME, TYPE IIA; Majewski Syndrome; POLYDACTYLY WITH NEONATAL CHONDRODYSTROPHY, TYPE II. Identifiers: MedGen C0024507, MONDO:0009894, OMIM 263520.

Submission:

Labcorp Genetics (formerly Invitae), Labcorp
Classification: Pathogenic for Short-rib thoracic dysplasia 6 with or without polydactyly. Last evaluated: 2025-10-18. Review status: criteria provided, single submitter. Criteria: Invitae Variant Classification Sherloc (09022015). Collection method: clinical testing. Allele origin: germline.
Comment: This sequence change creates a premature translational stop signal (p.Asn703Thrfs*14) in the NEK1 gene. It is expected to result in an absent or disrupted protein product. Loss-of-function variants in NEK1 are known to be pathogenic (PMID: 22499340, 29068549). This variant is present in population databases (rs746591648, gnomAD 0.006%). This variant has not been reported in the literature in individuals affected with NEK1-related conditions. ClinVar contains an entry for this variant (Variation ID: 848105). For these reasons, this variant has been classified as Pathogenic.

Literature cited by the submitters: PubMed 22499340; PubMed 29068549.

NM_001199397.3(NEK1):c.2190del (p.Asn731fs)

Gene: NEK1 (NIMA related kinase 1; minus strand). Cytogenetic location: 4q33.
Variant type: Deletion.
Coding change: c.2190del on transcript NM_001199397.3 (MANE Select); coding-DNA position 2190, one base deleted (C; older notation c.2190delC).
Protein change: p.Asn731fs; shifts the reading frame from asparagine 731.
Molecular consequence: frameshift variant. On other transcripts: non-coding transcript variant (1).
Genome position (GRCh38, 1-based): chr4:169,477,447, G deleted on the plus strand (C on the coding strand, the reverse complement: NEK1 is on the minus strand); the first of 2 consecutive G bases (chr4:169,477,447-169,477,448); deleting either gives the same sequence. VCF-style (leftmost placement, unchanged base first): chr4-169477446-TG-T. GRCh37 (hg19) VCF-style: chr4-170398597-TG-T.
Other names: c.2058del, p.Asn687fs (NM_001199398.3); c.1899del, p.Asn634fs (NM_001199399.3); c.1974del, p.Asn659fs (NM_001199400.3); c.2190del, p.Asn731fs (NM_001374418.1); c.2106del, p.Asn703fs (NM_001374419.1, NM_012224.4); c.2055del, p.Asn686fs (NM_001374420.1); c.1884del, p.Asn629fs (NM_001374421.1); short protein forms N629fs, N634fs, N686fs, N703fs, N731fs, N659fs, N687fs.
Identifiers: ClinVar variation 848105 (VCV000848105.7), dbSNP rs746591648, ClinGen allele CA3137481.